The following is an entry in ClinVar:

ClinVar aggregate classification (germline): Uncertain significance. Review status: criteria provided, multiple submitters, no conflicts (2 of 4 stars). 2 submissions from 2 submitters: Uncertain significance (2). Last evaluated 2023-03-17.

Conditions:
Inborn genetic diseases. Identifiers: MedGen C0950123, MeSH D030342.

Allele frequency attached by ClinVar (database versions not stated): TOPMed below 0.00001; ExAC 0.00001; gnomAD exomes 0.00001.
gnomAD v4.1: 5 of 1,614,026 alleles (0.00031%); highest among the groups gnomAD compares: African/African-American, 0.0013%; no homozygotes.

Submissions (2):

Ambry Genetics
Classification: Uncertain significance for Inborn genetic diseases. Last evaluated: 2023-03-17. Review status: criteria provided, single submitter. Criteria: Ambry Variant Classification Scheme 2023. Collection method: clinical testing. Allele origin: germline.

Labcorp Genetics (formerly Invitae), Labcorp
Classification: Uncertain significance. Last evaluated: 2022-12-06. Review status: criteria provided, single submitter. Criteria: Invitae Variant Classification Sherloc (09022015). Collection method: clinical testing. Allele origin: germline.
Comment: This sequence change replaces alanine, which is neutral and non-polar, with proline, which is neutral and non-polar, at codon 997 of the LTBP4 protein (p.Ala997Pro). In summary, the available evidence is currently insufficient to determine the role of this variant in disease. Therefore, it has been classified as a Variant of Uncertain Significance. Experimental studies and prediction algorithms are not available or were not evaluated, and the functional significance of this variant is currently unknown. This variant has not been reported in the literature in individuals affected with LTBP4-related conditions. This variant is present in population databases (rs778748338, gnomAD 0.002%).

NM_001042545.2(LTBP4):c.2899G>C (p.Ala967Pro)

Gene: LTBP4 (latent transforming growth factor beta binding protein 4; plus strand). Cytogenetic location: 19q13.2.
Variant type: single nucleotide variant.
Coding change: c.2899G>C on transcript NM_001042545.2 (MANE Select); coding-DNA position 2899, G replaced by C.
Protein change: p.Ala967Pro; replaces alanine 967 with proline.
Molecular consequence: missense variant.
Genome position (GRCh38, 1-based): chr19:40,616,975, G>C. VCF-style: chr19-40616975-G-C. GRCh37 (hg19) VCF-style: chr19-41122881-G-C.
Other names: c.3100G>C, p.Ala1034Pro (NM_001042544.1); c.2989G>C, p.Ala997Pro (NM_003573.2); short protein forms A967P, A1034P, A997P.
Identifiers: ClinVar variation 1931593 (VCV001931593.7), dbSNP rs778748338, ClinGen allele CA9448821.